The following is an entry in ClinVar:

ClinVar aggregate classification (germline): Likely benign (0 of 4 stars; one submission).

Conditions:
JMJD7-PLA2G4B-related disorder. Also called: JMJD7-PLA2G4B-related condition.

Allele frequency attached by ClinVar (database versions not stated): TOPMed 0.00003; gnomAD 0.00016; 1000 Genomes Project 30x 0.00078; ExAC 0.00082; 1000 Genomes Project 0.00100.
gnomAD v4.1: 549 of 1,613,782 alleles (0.034%); highest among the groups gnomAD compares: South Asian, 0.56%; 3 homozygotes.

Submission:

PreventionGenetics, part of Exact Sciences
Classification: Likely benign for JMJD7-PLA2G4B-related condition. Last evaluated: 2019-08-01. Review status: no assertion criteria provided. Collection method: clinical testing. Allele origin: germline.
Comment: This variant is classified as likely benign based on ACMG/AMP sequence variant interpretation guidelines (Richards et al. 2015 PMID: 25741868, with internal and published modifications).

NM_005090.4(JMJD7-PLA2G4B):c.2048G>T (p.Gly683Val)

Genes: JMJD7-PLA2G4B (JMJD7-PLA2G4B readthrough; plus strand), PLA2G4B (phospholipase A2 group IVB; plus strand). Cytogenetic location: 15q15.1.
Variant type: single nucleotide variant.
Coding change: c.2048G>T on transcript NM_005090.4; coding-DNA position 2048, G replaced by T.
Protein change: p.Gly683Val; replaces glycine 683 with valine.
Molecular consequence: missense variant.
Genome position (GRCh38, 1-based): chr15:41,845,318, G>T. VCF-style: chr15-41845318-G-T. GRCh37 (hg19) VCF-style: chr15-42137516-G-T.
Other names: c.1355G>T, p.Gly452Val (NM_001114633.2); c.2048G>T, p.Gly683Val (NM_001198588.2); short protein forms G452V, G683V.
Identifiers: ClinVar variation 3035502 (VCV003035502.2), dbSNP rs543247846, ClinGen allele CA7500027.